The following is an entry in ClinVar:

NM_001375567.1(FOCAD):c.5251C>G (p.Gln1751Glu)

Gene: FOCAD (focadhesin; plus strand). Cytogenetic location: 9p21.3.
Variant type: single nucleotide variant.
Coding change: c.5251C>G on transcript NM_001375567.1 (MANE Select); coding-DNA position 5251, C replaced by G.
Protein change: p.Gln1751Glu; replaces glutamine 1751 with glutamic acid.
Molecular consequence: missense variant.
Genome position (GRCh38, 1-based): chr9:20,990,369, C>G. VCF-style: chr9-20990369-C-G. GRCh37 (hg19) VCF-style: chr9-20990368-C-G.
Other names: c.5146C>G, p.Gln1716Glu (NM_001375568.1, NM_001375570.1); c.5251C>G, p.Gln1751Glu (NM_017794.5); short protein forms Q1751E, Q1716E.
Identifiers: ClinVar variation 2860667 (VCV002860667.3), dbSNP rs773782642, ClinGen allele CA5008233.

ClinVar aggregate classification (germline): Uncertain significance (1 of 4 stars; one submission).

Allele frequency attached by ClinVar (database versions not stated): TOPMed 0.00002.
gnomAD v4.1: 7 of 1,613,256 alleles (0.00043%); highest among the groups gnomAD compares: Admixed American, 0.012%; no homozygotes.

Submission:

Labcorp Genetics (formerly Invitae), Labcorp
Classification: Uncertain significance. Last evaluated: 2024-01-01. Review status: criteria provided, single submitter. Criteria: Invitae Variant Classification Sherloc (09022015). Collection method: clinical testing. Allele origin: germline.
Comment: This sequence change replaces glutamine, which is neutral and polar, with glutamic acid, which is acidic and polar, at codon 1751 of the FOCAD protein (p.Gln1751Glu). This variant is present in population databases (rs773782642, gnomAD 0.01%). This variant has not been reported in the literature in individuals affected with FOCAD-related conditions. Experimental studies and prediction algorithms are not available or were not evaluated, and the functional significance of this variant is currently unknown. In summary, the available evidence is currently insufficient to determine the role of this variant in disease. Therefore, it has been classified as a Variant of Uncertain Significance.